The following is an entry in ClinVar:

ClinVar aggregate classification (germline): Likely benign (1 of 4 stars; one submission).

Conditions:
RIPOR2-related disorder. Also called: RIPOR2-related condition.

gnomAD v4.1: 26 of 1,614,026 alleles (0.0016%); highest among the groups gnomAD compares: African/African-American, 0.033%; no homozygotes.

Submission:

PreventionGenetics, part of Exact Sciences
Classification: Likely benign for RIPOR2-related condition. Last evaluated: 2026-02-16. Review status: criteria provided, single submitter. Criteria: ACMG Guidelines, 2015. Collection method: clinical testing. Allele origin: germline.
Comment: This variant is classified as likely benign based on ACMG/AMP sequence variant interpretation guidelines (Richards et al. 2015 PMID: 25741868, with internal and published modifications).

NM_001286445.3(RIPOR2):c.1425A>G (p.Pro475=)

Gene: RIPOR2 (RHO family interacting cell polarization regulator 2; minus strand). Cytogenetic location: 6p22.3.
Variant type: single nucleotide variant.
Coding change: c.1425A>G on transcript NM_001286445.3 (MANE Select); coding-DNA position 1425, A replaced by G.
Protein change: p.Pro475=; no amino-acid change (proline 475 retained).
Molecular consequence: synonymous variant.
Genome position (GRCh38, 1-based): chr6:24,843,294, T>C on the plus strand (A>G on the coding strand, the complement: RIPOR2 is on the minus strand). VCF-style: chr6-24843294-T-C. GRCh37 (hg19) VCF-style: chr6-24843522-T-C.
Other names: c.1440A>G, p.Pro480= (NM_001286446.3); c.1338A>G, p.Pro446= (NM_001286447.2, NM_001346031.2, NM_001346032.2 and 1 more transcripts); c.1488A>G, p.Pro496= (NM_014722.5).
Identifiers: ClinVar variation 4981753 (VCV004981753.1).